The following is an entry in ClinVar:

ClinVar aggregate classification (germline): Uncertain significance (1 of 4 stars; one submission).

gnomAD v4.1: 6 of 1,609,836 alleles (0.00037%); highest among the groups gnomAD compares: Non-Finnish European, 0.00042%; no homozygotes.

Submission:

Mayo Clinic Laboratories, Mayo Clinic
Classification: Uncertain significance. Last evaluated: 2025-08-27. Review status: criteria provided, single submitter. Criteria: ACMG Guidelines, 2015. Collection method: clinical testing. Allele origin: germline. Observed: 1 variant allele.
Comment: PP3, PM2_supporting

NM_000298.6(PKLR):c.1437-22T>A

Gene: PKLR (pyruvate kinase L/R; minus strand). Cytogenetic location: 1q22.
Variant type: single nucleotide variant.
Coding change: c.1437-22T>A on transcript NM_000298.6 (MANE Select); 22 bases into the intron before coding-DNA position 1437, T replaced by A.
Molecular consequence: intron variant.
Genome position (GRCh38, 1-based): chr1:155,291,959, A>T on the plus strand (T>A on the coding strand, the complement: PKLR is on the minus strand). VCF-style: chr1-155291959-A-T. GRCh37 (hg19) VCF-style: chr1-155261750-A-T.
Other names: p.?; c.1344-22T>A (NM_181871.4).
Identifiers: ClinVar variation 4541517 (VCV004541517.1).
Genomic context (GRCh38, chr1:155,291,959, plus strand): 5'-GCTGCCCGAGGTCGGTACCGAGACAGAAGCTGGGCTGAGCTGGAGGAGGCAGAGAAGGTC[A>T]GCCCAGAACAGCAAGAAAGTGGTGAACGAGGAAAGGAGAATCTTTGTTCCAGTTCCAGGT-3'